The following is an entry in ClinVar:

NM_000484.4(APP):c.1963+6A>C

Gene: APP (amyloid beta precursor protein; minus strand). Cytogenetic location: 21q21.3.
Variant type: single nucleotide variant.
Coding change: c.1963+6A>C on transcript NM_000484.4 (MANE Select); 6 bases into the intron after coding-DNA position 1963, A replaced by C.
Molecular consequence: intron variant.
Genome position (GRCh38, 1-based): chr21:25,905,018, T>G on the plus strand (A>C on the coding strand, the complement: APP is on the minus strand). VCF-style: chr21-25905018-T-G. GRCh37 (hg19) VCF-style: chr21-27277330-T-G.
Other names: c.1633+6A>C (NM_001136131.3); c.1570+6A>C (NM_001136129.3); c.1795+6A>C (NM_001136130.3, NM_001385253.1); c.1684+6723A>C (NM_001204303.2); c.1738+6A>C (NM_201414.3); c.1852+6723A>C (NM_001204302.2); c.1906+6A>C (NM_201413.3); c.1909+6723A>C (NM_001204301.2); and 1 more.
Identifiers: ClinVar variation 3031533 (VCV003031533.2), dbSNP rs2517062598, ClinGen allele CA2740094693.

ClinVar aggregate classification (germline): Likely benign (0 of 4 stars; one submission).

Conditions:
APP-related disorder. Also called: APP-related condition.

Submission:

PreventionGenetics, part of Exact Sciences
Classification: Likely benign for APP-related condition. Last evaluated: 2023-05-08. Review status: no assertion criteria provided. Collection method: clinical testing. Allele origin: germline.
Comment: This variant is classified as likely benign based on ACMG/AMP sequence variant interpretation guidelines (Richards et al. 2015 PMID: 25741868, with internal and published modifications).